The following is an entry in ClinVar:

NM_014251.3(SLC25A13):c.1486_1489del (p.Phe496fs)

Gene: SLC25A13 (solute carrier family 25 member 13; minus strand). Cytogenetic location: 7q21.3.
Variant type: Deletion.
Coding change: c.1486_1489del on transcript NM_014251.3 (MANE Select); coding-DNA positions 1486 to 1489, 4 bases deleted (TTCT; older notation c.1486_1489delTTCT).
Protein change: p.Phe496fs; shifts the reading frame from phenylalanine 496.
Molecular consequence: frameshift variant. On other transcripts: non-coding transcript variant (1).
Genome position (GRCh38, 1-based): chr7:96,131,845-96,131,848, AGAA deleted on the plus strand (TTCT on the coding strand, the reverse complement: SLC25A13 is on the minus strand); deleting any 4 consecutive bases within chr7:96,131,845-96,131,850 gives the same sequence; the c. name uses the placement nearest the transcript's 3' end. VCF-style (leftmost placement, unchanged base first): chr7-96131844-GAGAA-G. GRCh37 (hg19) VCF-style: chr7-95761156-GAGAA-G.
Other names: c.1489_1492del, p.Phe497fs (NM_001160210.2); short protein forms F497fs, F496fs.
Identifiers: ClinVar variation 1382583 (VCV001382583.6), dbSNP rs756182703, ClinGen allele CA4352894.
Genomic context (GRCh38, chr7:96,131,844, plus strand): 5'-TGCCCATCTTCATTTGCAAAGGAAGCCTTCACATGAGCATAGCACGGAAAGTAGATGGCC[GAGAA>G]AGGAATGTCCCGCAGAAAGCATGCTTTGGCACCCTGCACATTTGCAAAGGAAGAAAAACC-3'

ClinVar aggregate classification (germline): Pathogenic (1 of 4 stars; one submission).

Conditions:
Citrin deficiency. Identifiers: Orphanet 247582, MedGen C1997910, MONDO:0016602.

Submission:

Labcorp Genetics (formerly Invitae), Labcorp
Classification: Pathogenic for Citrin deficiency. Last evaluated: 2021-08-02. Review status: criteria provided, single submitter. Criteria: Invitae Variant Classification Sherloc (09022015). Collection method: clinical testing. Allele origin: germline.
Comment: For these reasons, this variant has been classified as Pathogenic. This variant has not been reported in the literature in individuals affected with SLC25A13-related conditions. This variant is present in population databases (rs756182703, ExAC 0.03%). This sequence change creates a premature translational stop signal (p.Phe496Argfs*11) in the SLC25A13 gene. It is expected to result in an absent or disrupted protein product. Loss-of-function variants in SLC25A13 are known to be pathogenic (PMID: 10369257, 14680984, 27405544).

Literature cited by the submitters: PubMed 10369257; PubMed 14680984; PubMed 27405544.